The following is an entry in ClinVar:

NM_003680.4(YARS1):c.510+10G>C

Gene: YARS1 (tyrosyl-tRNA synthetase 1; minus strand). Cytogenetic location: 1p35.1.
Variant type: single nucleotide variant.
Coding change: c.510+10G>C on transcript NM_003680.4 (MANE Select); 10 bases into the intron after coding-DNA position 510, G replaced by C.
Molecular consequence: intron variant.
Genome position (GRCh38, 1-based): chr1:32,806,472, C>G on the plus strand (G>C on the coding strand, the complement: YARS1 is on the minus strand). VCF-style: chr1-32806472-C-G. GRCh37 (hg19) VCF-style: chr1-33272073-C-G.
Identifiers: ClinVar variation 284760 (VCV000284760.22), dbSNP rs201272488, ClinGen allele CA745188.
Genomic context (GRCh38, chr1:32,806,472, plus strand): 5'-GCAATAAGATATGCCTGTCATCAAACCAGAGCAGAAAAGGTCATCGGGCCACTCCATCCC[C>G]CTTAAGTACCTGCAGTCCGGGGTATAAGAGGCCACTCAGCAAAGGGTGCTCCACCTGCTT-3'

ClinVar aggregate classification (germline): Conflicting classifications of pathogenicity. Review status: criteria provided, conflicting classifications (1 of 4 stars). 6 submissions from 6 submitters: Uncertain significance (1); Likely benign (5). Last evaluated 2026-02-03.

Conditions:
YARS1-related disorder. Also called: YARS1-related condition.
Charcot-Marie-Tooth disease dominant intermediate C (CMTDIC). Also called: CHARCOT-MARIE-TOOTH NEUROPATHY, DOMINANT INTERMEDIATE C. Identifiers: Orphanet 100045, MedGen C1842237, MONDO:0012012, OMIM 608323.

Allele frequency attached by ClinVar (database versions not stated): 1000 Genomes Project 30x 0.00031; ESP Exome Variant Server 0.00038; gnomAD exomes 0.00058 and 0.00020; ExAC 0.00016; 1000 Genomes Project 0.00020; gnomAD 0.00024 and 0.00025; TOPMed 0.00029.
gnomAD v4.1: 881 of 1,613,824 alleles (0.055%); highest among the groups gnomAD compares: Non-Finnish European, 0.072%; no homozygotes.

Submissions (6):

Labcorp Genetics (formerly Invitae), Labcorp
Classification: Likely benign for Charcot-Marie-Tooth disease dominant intermediate C. Last evaluated: 2026-02-03. Review status: criteria provided, single submitter. Criteria: Invitae Variant Classification Sherloc (09022015). Collection method: clinical testing. Allele origin: germline.

Women's Health and Genetics/Laboratory Corporation of America, LabCorp
Classification: Likely benign. Last evaluated: 2026-01-06. Review status: criteria provided, single submitter. Criteria: LabCorp Variant Classification Summary - May 2015. Collection method: clinical testing. Allele origin: germline.
Comment: Variant summary: YARS1 c.510+10G>C alters a nucleotide located at a position not widely known to affect splicing. Consensus agreement among computation tools predict no significant impact on normal splicing. However, these predictions have yet to be confirmed by functional studies. The variant allele was found at a frequency of 0.0002 in 282364 control chromosomes. This frequency is not significantly higher than estimated for disease-causing variants in YARS1, allowing no conclusion about variant significance. To our knowledge, no occurrence of c.510+10G>C in individuals affected with YARS1-related conditions and no experimental evidence demonstrating its impact on protein function have been reported. ClinVar contains an entry for this variant (Variation ID: 284760). Based on the evidence outlined above, the variant was classified as likely benign.

PreventionGenetics, part of Exact Sciences
Classification: Likely benign for YARS1-related condition. Last evaluated: 2025-03-26. Review status: criteria provided, single submitter. Criteria: ACMG Guidelines, 2015. Collection method: clinical testing. Allele origin: germline.
Comment: This variant is classified as likely benign based on ACMG/AMP sequence variant interpretation guidelines (Richards et al. 2015 PMID: 25741868, with internal and published modifications).

Athena Diagnostics
Classification: Likely benign. Last evaluated: 2024-12-05. Review status: criteria provided, single submitter. Criteria: Athena Diagnostics Criteria. Collection method: clinical testing. Allele origin: unknown.
Comment: The frequency of this variant in the general population is higher than would generally be expected for pathogenic variants in this gene. Computational tools yielded predictions that this variant is unlikely to have an effect on normal RNA splicing. This nucleotide position exhibits low evolutionary conservation.

GeneDx
Classification: Likely benign. Last evaluated: 2017-09-22. Review status: criteria provided, single submitter. Criteria: GeneDx Variant Classification (06012015). Collection method: clinical testing. Allele origin: germline. Affected: yes.
Comment: This variant is considered likely benign or benign based on one or more of the following criteria: it is a conservative change, it occurs at a poorly conserved position in the protein, it is predicted to be benign by multiple in silico algorithms, and/or has population frequency not consistent with disease.

Eurofins Ntd Llc (ga)
Classification: Uncertain significance. Last evaluated: 2015-11-25. Review status: criteria provided, single submitter. Criteria: EGL Classification Definitions 2015. Collection method: clinical testing. Allele origin: germline. Observed: 2 variant alleles, 2 heterozygotes.